The following is an entry in ClinVar:

NM_032578.4(MYPN):c.1346G>T (p.Gly449Val)

Gene: MYPN (myopalladin; plus strand). Cytogenetic location: 10q21.3.
Variant type: single nucleotide variant.
Coding change: c.1346G>T on transcript NM_032578.4 (MANE Select); coding-DNA position 1346, G replaced by T.
Protein change: p.Gly449Val; replaces glycine 449 with valine.
Molecular consequence: missense variant. On other transcripts: non-coding transcript variant (2).
Genome position (GRCh38, 1-based): chr10:68,158,514, G>T. VCF-style: chr10-68158514-G-T. GRCh37 (hg19) VCF-style: chr10-69918271-G-T.
Other names: c.1346G>T, p.Gly449Val (NM_001256267.2); c.464G>T, p.Gly155Val (NM_001256268.2); short protein forms G449V, G155V.
Identifiers: ClinVar variation 2885763 (VCV002885763.3), dbSNP rs376158785, ClinGen allele CA5522528.

ClinVar aggregate classification (germline): Uncertain significance (1 of 4 stars; one submission).

Conditions:
Dilated cardiomyopathy 1KK (CMD1KK). Identifiers: Orphanet 154, Orphanet 75249, MedGen C3714995, MONDO:0014100, OMIM 615248.

Allele frequency attached by ClinVar (database versions not stated): gnomAD exomes below 0.00001; gnomAD 0.00001; TOPMed 0.00001; ExAC 0.00002; ESP Exome Variant Server 0.00008.
gnomAD v4.1: 3 of 1,613,870 alleles (0.00019%); highest among the groups gnomAD compares: African/African-American, 0.004%; no homozygotes.

Submission:

Labcorp Genetics (formerly Invitae), Labcorp
Classification: Uncertain significance for Dilated cardiomyopathy 1KK. Last evaluated: 2023-03-01. Review status: criteria provided, single submitter. Criteria: Invitae Variant Classification Sherloc (09022015). Collection method: clinical testing. Allele origin: germline.
Comment: This sequence change replaces glycine, which is neutral and non-polar, with valine, which is neutral and non-polar, at codon 449 of the MYPN protein (p.Gly449Val). This variant is present in population databases (rs376158785, gnomAD 0.01%). This variant has not been reported in the literature in individuals affected with MYPN-related conditions. An algorithm developed to predict the effect of missense changes on protein structure and function (PolyPhen-2) suggests that this variant is likely to be disruptive. In summary, the available evidence is currently insufficient to determine the role of this variant in disease. Therefore, it has been classified as a Variant of Uncertain Significance.